The following is an entry in ClinVar:

NM_001458.5(FLNC):c.1676+5G>A

Gene: FLNC (filamin C; plus strand). Cytogenetic location: 7q32.1.
Variant type: single nucleotide variant.
Coding change: c.1676+5G>A on transcript NM_001458.5 (MANE Select); 5 bases into the intron after coding-DNA position 1676, G replaced by A.
Molecular consequence: intron variant.
Genome position (GRCh38, 1-based): chr7:128,840,679, G>A. VCF-style: chr7-128840679-G-A. GRCh37 (hg19) VCF-style: chr7-128480733-G-A.
Other names: c.1676+5G>A (NM_001127487.2).
Identifiers: ClinVar variation 4025598 (VCV004025598.1).

ClinVar aggregate classification (germline): Uncertain significance (1 of 4 stars; one submission).

Conditions:
Cardiovascular phenotype. Identifiers: MedGen CN230736.

gnomAD v4.1: 4 of 1,612,962 alleles (0.00025%); highest among the groups gnomAD compares: East Asian, 0.0045%; no homozygotes.

Submission:

Ambry Genetics
Classification: Uncertain significance for Cardiovascular phenotype. Last evaluated: 2025-06-06. Review status: criteria provided, single submitter. Criteria: Ambry Variant Classification Scheme 2023. Collection method: clinical testing. Allele origin: germline.
Comment: The c.1676+5G>A intronic variant results from a G to A substitution 5 nucleotides after coding exon 10 in the FLNC gene. This nucleotide position is well conserved in available vertebrate species. In silico splice site analysis predicts that this alteration will not have any significant effect on splicing. Based on the available evidence, the clinical significance of this variant remains unclear.